The following is an entry in ClinVar:

NM_020987.5(ANK3):c.9719C>G (p.Ser3240Cys)

Gene: ANK3 (ankyrin 3; minus strand). Cytogenetic location: 10q21.2.
Variant type: single nucleotide variant.
Coding change: c.9719C>G on transcript NM_020987.5 (MANE Select); coding-DNA position 9719, C replaced by G.
Protein change: p.Ser3240Cys; replaces serine 3240 with cysteine.
Molecular consequence: missense variant. On other transcripts: intron variant (4).
Genome position (GRCh38, 1-based): chr10:60,071,162, G>C on the plus strand (C>G on the coding strand, the complement: ANK3 is on the minus strand). VCF-style: chr10-60071162-G-C. GRCh37 (hg19) VCF-style: chr10-61830920-G-C.
Other names: c.4388-3153C>G (NM_001204403.2); c.4409-3153C>G (NM_001204404.2); c.4406-3153C>G (NM_001320874.2); c.1808-3153C>G (NM_001149.4); short protein forms S3240C.
Identifiers: ClinVar variation 3372465 (VCV003372465.1).

ClinVar aggregate classification (germline): Uncertain significance (1 of 4 stars; one submission).

gnomAD v4.1: 4 of 1,614,138 alleles (0.00025%); highest among the groups gnomAD compares: Non-Finnish European, 0.00034%; no homozygotes.

Submission:

GeneDx
Classification: Uncertain significance. Last evaluated: 2024-04-15. Review status: criteria provided, single submitter. Criteria: GeneDx Variant Classification Process June 2021. Collection method: clinical testing. Allele origin: germline. Affected: yes.
Comment: In silico analysis indicates that this missense variant does not alter protein structure/function; Has not been previously published as pathogenic or benign to our knowledge